The following is an entry in ClinVar:

ClinVar aggregate classification (germline): Likely pathogenic (1 of 4 stars; one submission).

Conditions:
Pontocerebellar hypoplasia, type 1D. Identifiers: MedGen C4748058, MONDO:0054844, OMIM 618065.

Submission:

Juno Genomics, Hangzhou Juno Genomics, Inc
Classification: Likely pathogenic for Pontocerebellar hypoplasia, type 1D. Review status: criteria provided, single submitter. Criteria: ACMG Guidelines, 2015. Collection method: clinical testing. Allele origin: germline.
Comment: Null variant in a gene where loss of function (LOF) is a known mechanism of disease.;Absent from controls (or at extremely low frequency if recessive) in Genome Aggregation Database.

NM_005033.3(EXOSC9):c.1123dup (p.Thr375fs)

Gene: EXOSC9 (exosome component 9; plus strand). Cytogenetic location: 4q27.
Variant type: Duplication.
Coding change: c.1123dup on transcript NM_005033.3 (MANE Select); coding-DNA position 1123, one base duplicated (A; older notation c.1123dupA).
Protein change: p.Thr375fs; shifts the reading frame from threonine 375.
Molecular consequence: frameshift variant.
Genome position (GRCh38, 1-based): chr4:121,814,014, A duplicated. VCF-style (leftmost placement, unchanged base first): chr4-121814013-C-CA. GRCh37 (hg19) VCF-style: chr4-122735168-C-CA.
Other names: c.1123dup, p.Thr375fs (NM_001034194.2); short protein forms T375fs.
Identifiers: ClinVar variation 5006721 (VCV005006721.2).